The following is an entry in ClinVar:

ClinVar aggregate classification (germline): Likely benign (1 of 4 stars; one submission).

Conditions:
ARHGAP24-related disorder. Also called: ARHGAP24-related condition.

gnomAD v4.1: 2 of 1,613,654 alleles (0.00012%); highest among the groups gnomAD compares: African/African-American, 0.0027%; no homozygotes.

Submission:

PreventionGenetics, part of Exact Sciences
Classification: Likely benign for ARHGAP24-related condition. Last evaluated: 2025-08-19. Review status: criteria provided, single submitter. Criteria: ACMG Guidelines, 2015. Collection method: clinical testing. Allele origin: germline.
Comment: This variant is classified as likely benign based on ACMG/AMP sequence variant interpretation guidelines (Richards et al. 2015 PMID: 25741868, with internal and published modifications).

NM_001025616.3(ARHGAP24):c.2106A>G (p.Arg702=)

Gene: ARHGAP24 (Rho GTPase activating protein 24; plus strand). Cytogenetic location: 4q21.3.
Variant type: single nucleotide variant.
Coding change: c.2106A>G on transcript NM_001025616.3 (MANE Select); coding-DNA position 2106, A replaced by G.
Protein change: p.Arg702=; no amino-acid change (arginine 702 retained).
Molecular consequence: synonymous variant.
Genome position (GRCh38, 1-based): chr4:86,000,581, A>G. VCF-style: chr4-86000581-A-G. GRCh37 (hg19) VCF-style: chr4-86921734-A-G.
Other names: c.1821A>G, p.Arg607= (NM_001042669.2); c.1851A>G, p.Arg617= (NM_001287805.2); c.1527A>G, p.Arg509= (NM_001346093.2); c.1827A>G, p.Arg609= (NM_031305.3).
Identifiers: ClinVar variation 4991241 (VCV004991241.1).